The following is an entry in ClinVar:

ClinVar aggregate classification (germline): Uncertain significance. Review status: criteria provided, multiple submitters, no conflicts (2 of 4 stars). 2 submissions from 2 submitters: Uncertain significance (2). Last evaluated 2025-07-31.

gnomAD v4.1: 1 of 1,599,564 alleles (0.000063%); highest among the groups gnomAD compares: Non-Finnish European, 0.000085%; no homozygotes.

Submissions (2):

GeneDx
Classification: Uncertain significance. Last evaluated: 2025-07-31. Review status: criteria provided, single submitter. Criteria: GeneDx Variant Classification Process June 2021. Collection method: clinical testing. Allele origin: germline. Affected: yes.
Comment: Not observed at significant frequency in large population cohorts (gnomAD); In silico analysis suggests that this missense variant does not alter protein structure/function; Has not been previously published as pathogenic or benign to our knowledge

Blueprint Genetics
Classification: Uncertain significance. Last evaluated: 2024-01-29. Review status: criteria provided, single submitter. Criteria: ACMG Guidelines, 2015. Collection method: clinical testing. Allele origin: germline.

NM_001170629.2(CHD8):c.650T>C (p.Ile217Thr)

Gene: CHD8 (chromodomain helicase DNA binding protein 8; minus strand). Cytogenetic location: 14q11.2.
Variant type: single nucleotide variant.
Coding change: c.650T>C on transcript NM_001170629.2 (MANE Select); coding-DNA position 650, T replaced by C.
Protein change: p.Ile217Thr; replaces isoleucine 217 with threonine.
Molecular consequence: missense variant. On other transcripts: intron variant (1).
Genome position (GRCh38, 1-based): chr14:21,430,994, A>G on the plus strand (T>C on the coding strand, the complement: CHD8 is on the minus strand). VCF-style: chr14-21430994-A-G. GRCh37 (hg19) VCF-style: chr14-21899153-A-G.
Other names: c.6+817T>C (NM_020920.4); short protein forms I217T.
Identifiers: ClinVar variation 4689884 (VCV004689884.2).